The following is an entry in ClinVar:

ClinVar aggregate classification (germline): Conflicting classifications of pathogenicity. Review status: criteria provided, conflicting classifications (1 of 4 stars). 8 submissions from 6 submitters: Uncertain significance (6); Likely benign (1). 1 of the submissions does not count toward it. Last evaluated 2026-01-09.

Conditions:
Autosomal dominant nonsyndromic hearing loss 11. Identifiers: Orphanet 90635, MedGen C1832475, MONDO:0011032, OMIM 601317.
MYO7A-related disorder. Also called: MYO7A-related disorders.
Usher syndrome type 1 (USH1). Also called: RETINITIS PIGMENTOSA AND CONGENITAL DEAFNESS. Identifiers: Orphanet 231169, Orphanet 886, MedGen C1568247, MONDO:0010168, OMIM 276900.
Autosomal recessive nonsyndromic hearing loss 2. Also called: DEAFNESS, AUTOSOMAL RECESSIVE 2; NEUROSENSORY NONSYNDROMIC RECESSIVE DEAFNESS 2. Identifiers: Orphanet 90636, MedGen C1838701, MONDO:0010807, OMIM 600060.
Usher syndrome type 1B (USH1B). Also called: Usher syndrome type IB. Identifiers: MedGen C1848638, MONDO:0700087.

Allele frequency attached by ClinVar (database versions not stated): TOPMed 0.00011.
gnomAD v4.1: 119 of 1,613,152 alleles (0.0074%); highest among the groups gnomAD compares: African/African-American, 0.023%; 1 homozygote.

Submissions (8):

Labcorp Genetics (formerly Invitae), Labcorp
Classification: Likely benign. Last evaluated: 2026-01-09. Review status: criteria provided, single submitter. Criteria: Invitae Variant Classification Sherloc (09022015). Collection method: clinical testing. Allele origin: germline.

PreventionGenetics, part of Exact Sciences
Classification: Uncertain significance for MYO7A-related condition. Last evaluated: 2025-11-24. Review status: criteria provided, single submitter. Criteria: ACMG Guidelines, 2015. Collection method: clinical testing. Allele origin: germline.
Comment: The MYO7A c.2120G>A variant is predicted to result in the amino acid substitution p.Arg707His. This variant has ben observed in an individual with Usher syndrome and was assessed by authors as likely benign (Table S2, Le Quesne Stabej et al. 2011. PubMed ID: 22135276). This variant is reported in 0.021% of alleles in individuals of African descent in gnomAD. At this time, the clinical significance of this variant is uncertain due to the absence of conclusive functional and genetic evidence.

Blueprint Genetics
Classification: Uncertain significance. Last evaluated: 2024-07-02. Review status: criteria provided, single submitter. Criteria: ACMG Guidelines, 2015. Collection method: clinical testing. Allele origin: germline.

GeneDx
Classification: Uncertain significance. Last evaluated: 2023-06-06. Review status: criteria provided, single submitter. Criteria: GeneDx Variant Classification Process June 2021. Collection method: clinical testing. Allele origin: germline. Affected: yes.
Comment: Identified in a large cohort of individuals with Usher syndrome; however, patient-specific clinical and segregation information not provided (Le Quesne Stabej et al., 2012); In silico analysis, which includes protein predictors and evolutionary conservation, supports a deleterious effect; This variant is associated with the following publications: (PMID: 22135276)

Illumina Laboratory Services, Illumina
Classification: Uncertain significance for Autosomal dominant nonsyndromic hearing loss 11. Last evaluated: 2017-04-27. Review status: criteria provided, single submitter. Criteria: ICSL Variant Classification Criteria 13 December 2019. Collection method: clinical testing. Allele origin: germline.

Illumina Laboratory Services, Illumina
Classification: Uncertain significance for Usher syndrome type 1. Last evaluated: 2017-04-27. Review status: criteria provided, single submitter. Criteria: ICSL Variant Classification Criteria 13 December 2019. Collection method: clinical testing. Allele origin: germline.
Comment: This variant was observed as part of a predisposition screen in an ostensibly healthy population. A literature search was performed for the gene, cDNA change, and amino acid change (where applicable). Publications were found based on this search. However, the evidence from the literature, in combination with allele frequency data from public databases where available, was not sufficient to rule this variant in or out of causing disease. Therefore, this variant is classified as a variant of unknown significance.

Illumina Laboratory Services, Illumina
Classification: Uncertain significance for Autosomal recessive nonsyndromic hearing loss 2. Last evaluated: 2017-04-27. Review status: criteria provided, single submitter. Criteria: ICSL Variant Classification Criteria 13 December 2019. Collection method: clinical testing. Allele origin: germline.

Natera, Inc.
Classification: Uncertain significance for Usher syndrome type 1B. Last evaluated: 2020-02-11. Review status: no assertion criteria provided. Collection method: clinical testing. Allele origin: germline. Not counted in ClinVar's aggregate classification.

Literature cited by the submitters: PubMed 22135276 (cited by Illumina Laboratory Services, Illumina).

NM_000260.4(MYO7A):c.2120G>A (p.Arg707His)

Gene: MYO7A (myosin VIIA; plus strand). Cytogenetic location: 11q13.5.
Variant type: single nucleotide variant.
Coding change: c.2120G>A on transcript NM_000260.4 (MANE Select); coding-DNA position 2120, G replaced by A.
Protein change: p.Arg707His; replaces arginine 707 with histidine.
Molecular consequence: missense variant.
Genome position (GRCh38, 1-based): chr11:77,175,397, G>A. VCF-style: chr11-77175397-G-A. GRCh37 (hg19) VCF-style: chr11-76886443-G-A.
Other names: c.2120G>A, p.Arg707His (NM_001127180.2); c.2087G>A, p.Arg696His (NM_001369365.1); short protein forms R696H, R707H.
Identifiers: ClinVar variation 839837 (VCV000839837.17), dbSNP rs782176754, ClinGen allele CA6197715.